The following is an entry in ClinVar:

ClinVar aggregate classification (germline): Uncertain significance (1 of 4 stars; one submission).

Conditions:
Gnathodiaphyseal dysplasia (GDD). Also called: GNATHODIAPHYSEAL SCLEROSIS; OSTEOGENESIS IMPERFECTA WITH UNUSUAL SKELETAL LESIONS. Identifiers: Orphanet 53697, MedGen C1833736, MONDO:0008151, OMIM 166260.
Autosomal recessive limb-girdle muscular dystrophy type 2L (LGMDR12). Also called: Limb-Girdle Muscular Dystrophy R12 Anoctamin-5-Related (LGMD-R12); MUSCULAR DYSTROPHY, LIMB-GIRDLE, AUTOSOMAL RECESSIVE 12; Limb-girdle muscular dystrophy, type 2L. Identifiers: Orphanet 206549, MedGen C1969785, MONDO:0012652, OMIM 611307.

gnomAD v4.1: 1 of 1,612,982 alleles (0.000062%); highest among the groups gnomAD compares: Non-Finnish European, 0.000085%; no homozygotes.

Submission:

Labcorp Genetics (formerly Invitae), Labcorp
Classification: Uncertain significance for Autosomal recessive limb-girdle muscular dystrophy type 2L; Gnathodiaphyseal dysplasia. Last evaluated: 2022-10-25. Review status: criteria provided, single submitter. Criteria: Invitae Variant Classification Sherloc (09022015). Collection method: clinical testing. Allele origin: germline.
Comment: In summary, the available evidence is currently insufficient to determine the role of this variant in disease. Therefore, it has been classified as a Variant of Uncertain Significance. Algorithms developed to predict the effect of missense changes on protein structure and function (SIFT, PolyPhen-2, Align-GVGD) all suggest that this variant is likely to be tolerated. This variant has not been reported in the literature in individuals affected with ANO5-related conditions. This variant is not present in population databases (gnomAD no frequency). This sequence change replaces valine, which is neutral and non-polar, with isoleucine, which is neutral and non-polar, at codon 861 of the ANO5 protein (p.Val861Ile).

NM_213599.3(ANO5):c.2581G>A (p.Val861Ile)

Gene: ANO5 (anoctamin 5; plus strand). Cytogenetic location: 11p14.3.
Variant type: single nucleotide variant.
Coding change: c.2581G>A on transcript NM_213599.3 (MANE Select); coding-DNA position 2581, G replaced by A.
Protein change: p.Val861Ile; replaces valine 861 with isoleucine.
Molecular consequence: missense variant.
Genome position (GRCh38, 1-based): chr11:22,279,604, G>A. VCF-style: chr11-22279604-G-A. GRCh37 (hg19) VCF-style: chr11-22301150-G-A.
Other names: c.2578G>A, p.Val860Ile (NM_001142649.2); c.2539G>A, p.Val847Ile (NM_001410963.1); c.2536G>A, p.Val846Ile (NM_001410964.1); short protein forms V846I, V861I, V860I, V847I.
Identifiers: ClinVar variation 1954277 (VCV001954277.5), dbSNP rs1854997670, ClinGen allele CA379924973.